The following is an entry in ClinVar:

ClinVar aggregate classification (germline): Pathogenic (1 of 4 stars; one submission).

Submission:

Quest Diagnostics Nichols Institute San Juan Capistrano
Classification: Pathogenic. Last evaluated: 2023-04-20. Review status: criteria provided, single submitter. Criteria: ACMG/ClinGen CNV Guidelines, 2019. Collection method: clinical testing. Allele origin: unknown.
Comment: The gain of 21q22.11q22.3 involves numerous protein-coding genes. Duplications of 21q22 are associated with being the critical cytoband involved in Down syndrome presentation (OMIM 190685; Pelleri 2016). Individuals with partial trisomy 21q have been observed to have similar features of Down syndrome (Chen 2011, Ronan 2009, Schnabel 2018, Weisfeld-Adams 2016). There are no similar copy number gains of this region in the general populations of the Database of Genomic Variants. Thus, this copy number variant (CNV) is classified as pathogenic. References: Chen et al., Taiwan J Obstet Gynecol. 2011 Dec;50(4):492-8. PMID: 22212323, Pelleri et al., Hum Mol Genet. 2016 Jun 15;25(12):2525-2538. PMID: 27106104, Ronan et al., BMJ Case Rep. 2009;2009:bcr05.2009.1914. PMID: 21686961, Schnabel et al., Mol Cytogenet. 2018 Dec 29;11:62. PMID: 30619508, Weisfeld-Adams et al., NPJ Genom Med. 2016;1:16003. PMID: 27840696

GRCh37/hg19 21q22.11-22.3(chr21:33015681-48097372)x3

Genes: ABCG1 (ATP binding cassette subfamily G member 1; plus strand), ADARB1 (adenosine deaminase RNA specific B1; plus strand), AGPAT3 (1-acylglycerol-3-phosphate O-acyltransferase 3; plus strand), AIRE (autoimmune regulator; plus strand), ATP5PO (ATP synthase peripheral stalk subunit OSCP; minus strand) and 145 more. Cytogenetic location: 21q22.11-22.3.
Variant type: copy number gain.
Change: copy number 3 (three copies instead of two) of chr21:33,015,681-48,097,372 (15.08 Mb, GRCh37 coordinates, 1-based), cytogenetic band 21q22.11-22.3.
Identifiers: ClinVar variation 2684914 (VCV002684914.1).